The following is an entry in ClinVar:

ClinVar aggregate classification (germline): Likely benign (0 of 4 stars; one submission).

Conditions:
HTR2C-related disorder. Also called: HTR2C-related condition.

Allele frequency attached by ClinVar (database versions not stated): 1000 Genomes Project 30x 0.00042; ESP Exome Variant Server 0.00047; ExAC 0.00083; TOPMed 0.00048; 1000 Genomes Project 0.00053; gnomAD 0.00070.
gnomAD v4.1: 1,079 of 1,208,763 alleles (0.089%); highest among the groups gnomAD compares: Non-Finnish European, 0.1%; 2 homozygotes.

Submission:

PreventionGenetics, part of Exact Sciences
Classification: Likely benign for HTR2C-related condition. Last evaluated: 2021-09-01. Review status: no assertion criteria provided. Collection method: clinical testing. Allele origin: germline.
Comment: This variant is classified as likely benign based on ACMG/AMP sequence variant interpretation guidelines (Richards et al. 2015 PMID: 25741868, with internal and published modifications).

NM_000868.4(HTR2C):c.1255A>G (p.Thr419Ala)

Genes: HTR2C (5-hydroxytryptamine receptor 2C; plus strand), LOC126863306 (MED14-independent group 3 enhancer GRCh37_chrX:114140926-114142125; plus strand). Cytogenetic location: Xq23.
Variant type: single nucleotide variant.
Coding change: c.1255A>G on transcript NM_000868.4 (MANE Select); coding-DNA position 1255, A replaced by G.
Protein change: p.Thr419Ala; replaces threonine 419 with alanine.
Molecular consequence: missense variant. On other transcripts: 3 prime UTR variant (1).
Genome position (GRCh38, 1-based): chrX:114,907,293, A>G. VCF-style: chrX-114907293-A-G. GRCh37 (hg19) VCF-style: chrX-114141856-A-G.
Other names: c.1255A>G, p.Thr419Ala (NM_001256760.3); c.*413A>G (NM_001256761.3); short protein forms T419A.
Identifiers: ClinVar variation 3044073 (VCV003044073.2), dbSNP rs76454046, ClinGen allele CA10495569.